The following is an entry in ClinVar:

ClinVar aggregate classification (germline): Benign/Likely benign. Review status: criteria provided, multiple submitters, no conflicts (2 of 4 stars). 4 submissions from 4 submitters: Benign (1); Likely benign (3). Last evaluated 2026-05-12.

Conditions:
Hereditary cancer-predisposing syndrome. Also called: Neoplastic Syndromes, Hereditary; Hereditary neoplastic syndrome; Hereditary Cancer Syndrome; Tumor predisposition. Identifiers: Orphanet 140162, MedGen C0027672, MeSH D009386, MONDO:0015356.
Breast-ovarian cancer, familial, susceptibility to, 4. Identifiers: Orphanet 145, MedGen C3280345, MONDO:0013669, OMIM 614291.

Allele frequency attached by ClinVar (database versions not stated): TOPMed below 0.00001; ExAC 0.00001; gnomAD exomes 0.00001.

Submissions (4):

Ambry Genetics
Classification: Likely benign for Hereditary cancer-predisposing syndrome. Last evaluated: 2026-05-12. Review status: criteria provided, single submitter. Criteria: Ambry Variant Classification Scheme 2023. Collection method: clinical testing. Allele origin: germline.

CeGaT Center for Human Genetics Tuebingen
Classification: Likely benign. Last evaluated: 2026-01-01. Review status: criteria provided, single submitter. Criteria: CeGaT Center For Human Genetics Tuebingen Variant Classification Criteria Version 2. Collection method: clinical testing. Allele origin: germline. Affected: yes. Observed: 1 variant allele.
Comment: RAD51D: BP4

Myriad Genetics, Inc.
Classification: Benign for Breast-ovarian cancer, familial, susceptibility to, 4. Last evaluated: 2025-02-20. Review status: criteria provided, single submitter. Criteria: Myriad Autosomal Dominant, Autosomal Recessive and X-Linked Classification Criteria (2023). Collection method: clinical testing. Allele origin: unknown.
Comment: This variant is considered benign. This variant is a silent/synonymous amino acid change and it is not expected to impact splicing.

Labcorp Genetics (formerly Invitae), Labcorp
Classification: Likely benign for Breast-ovarian cancer, familial, susceptibility to, 4. Last evaluated: 2022-04-28. Review status: criteria provided, single submitter. Criteria: Invitae Variant Classification Sherloc (09022015). Collection method: clinical testing. Allele origin: germline.

NM_002878.4(RAD51D):c.93G>C (p.Leu31=)

Genes: RAD51D (RAD51 paralog D; minus strand), RAD51L3-RFFL (RAD51L3-RFFL readthrough; minus strand). Cytogenetic location: 17q12.
Variant type: single nucleotide variant.
Coding change: c.93G>C on transcript NM_002878.4 (MANE Select); coding-DNA position 93, G replaced by C.
Protein change: p.Leu31=; no amino-acid change (leucine 31 retained).
Molecular consequence: synonymous variant. On other transcripts: non-coding transcript variant (2).
Genome position (GRCh38, 1-based): chr17:35,119,162, C>G on the plus strand (G>C on the coding strand, the complement: RAD51D is on the minus strand). VCF-style: chr17-35119162-C-G. GRCh37 (hg19) VCF-style: chr17-33446181-C-G.
Other names: c.93G>C, p.Leu31= (NM_001142571.2, NM_133629.3).
Identifiers: ClinVar variation 1973207 (VCV001973207.11), dbSNP rs779637010, ClinGen allele CA8499668.